The following is an entry in ClinVar:

ClinVar aggregate classification (germline): Uncertain significance (1 of 4 stars; one submission).

gnomAD v4.1: 2 of 1,614,014 alleles (0.00012%); highest among the groups gnomAD compares: Non-Finnish European, 0.000085%; no homozygotes.

Submission:

Labcorp Genetics (formerly Invitae), Labcorp
Classification: Uncertain significance. Last evaluated: 2024-11-12. Review status: criteria provided, single submitter. Criteria: Invitae Variant Classification Sherloc (09022015). Collection method: clinical testing. Allele origin: germline.
Comment: This sequence change replaces aspartic acid, which is acidic and polar, with histidine, which is basic and polar, at codon 98 of the ADIPOR1 protein (p.Asp98His). This variant is not present in population databases (gnomAD no frequency). This variant has not been reported in the literature in individuals affected with ADIPOR1-related conditions. An algorithm developed to predict the effect of missense changes on protein structure and function (PolyPhen-2) suggests that this variant is likely to be tolerated. Algorithms developed to predict the effect of sequence changes on RNA splicing suggest that this variant may disrupt the consensus splice site. In summary, the available evidence is currently insufficient to determine the role of this variant in disease. Therefore, it has been classified as a Variant of Uncertain Significance.

NM_015999.6(ADIPOR1):c.292G>C (p.Asp98His)

Gene: ADIPOR1 (adiponectin receptor 1; minus strand). Cytogenetic location: 1q32.1.
Variant type: single nucleotide variant.
Coding change: c.292G>C on transcript NM_015999.6 (MANE Select); coding-DNA position 292, G replaced by C.
Protein change: p.Asp98His; replaces aspartic acid 98 with histidine.
Molecular consequence: missense variant.
Genome position (GRCh38, 1-based): chr1:202,946,577, C>G on the plus strand (G>C on the coding strand, the complement: ADIPOR1 is on the minus strand). VCF-style: chr1-202946577-C-G. GRCh37 (hg19) VCF-style: chr1-202915705-C-G.
Other names: c.292G>C, p.Asp98His (NM_001290553.2, NM_001290557.1, NM_001290629.1); short protein forms D98H.
Identifiers: ClinVar variation 3694823 (VCV003694823.2).